The following is an entry in ClinVar:

ClinVar aggregate classification (germline): Conflicting classifications of pathogenicity. Review status: criteria provided, conflicting classifications (1 of 4 stars). 3 submissions from 3 submitters: Uncertain significance (2); Likely benign (1). Last evaluated 2025-11-17.

Conditions:
Cardiovascular phenotype. Identifiers: MedGen CN230736.
Hereditary cancer-predisposing syndrome. Also called: Hereditary neoplastic syndrome; Neoplastic Syndromes, Hereditary; Tumor predisposition; Hereditary Cancer Syndrome. Identifiers: Orphanet 140162, MedGen C0027672, MeSH D009386, MONDO:0015356.
Juvenile myelomonocytic leukemia (JMML). Also called: LEUKEMIA, JUVENILE MYELOMONOCYTIC, SOMATIC. Identifiers: Orphanet 86834, MedGen C0349639, MONDO:0011908, OMIM 607785, HP:0012209.
Neurofibromatosis, familial spinal (FSNF). Identifiers: Orphanet 636, MedGen C1834235, MONDO:0008078, OMIM 162210. Disease mechanism: loss of function.
Neurofibromatosis-Noonan syndrome (NFNS). Also called: NEUROFIBROMATOSIS WITH NOONAN PHENOTYPE. Identifiers: Orphanet 638, MedGen C2931482, MONDO:0011035, OMIM 601321. Disease mechanism: loss of function.
Café-au-lait macules with pulmonary stenosis (WTSN). Also called: PULMONIC STENOSIS WITH CAFE-AU-LAIT SPOTS. Identifiers: MedGen C0553586, MONDO:0008672, OMIM 193520.
Neurofibromatosis, type 1 (NF1). Also called: Peripheral type neurofibromatosis; Neurofibromatosis, type I; VON RECKLINGHAUSEN DISEASE; NEUROFIBROMATOSIS, TYPE I, SOMATIC. Identifiers: Orphanet 636, MedGen C0027831, MONDO:0018975, OMIM 162200. Disease mechanism: loss of function.

Allele frequency attached by ClinVar (database versions not stated): gnomAD exomes below 0.00001 and 0.00001; TOPMed below 0.00001.
gnomAD v4.1: 2 of 1,613,668 alleles (0.00012%); highest among the groups gnomAD compares: Non-Finnish European, 0.00017%; no homozygotes.

Submissions (3):

Labcorp Genetics (formerly Invitae), Labcorp
Classification: Likely benign for Neurofibromatosis, type 1. Last evaluated: 2025-11-17. Review status: criteria provided, single submitter. Criteria: Invitae Variant Classification Sherloc (09022015). Collection method: clinical testing. Allele origin: germline.

Ambry Genetics
Classification: Uncertain significance for Cardiovascular phenotype; Hereditary cancer-predisposing syndrome. Last evaluated: 2022-08-01. Review status: criteria provided, single submitter. Criteria: Ambry Variant Classification Scheme 2023. Collection method: clinical testing. Allele origin: germline.
Comment: The p.R765C variant (also known as c.2293C>T), located in coding exon 19 of the NF1 gene, results from a C to T substitution at nucleotide position 2293. The arginine at codon 765 is replaced by cysteine, an amino acid with highly dissimilar properties. This amino acid position is highly conserved in available vertebrate species. In addition, this alteration is predicted to be deleterious by in silico analysis. Since supporting evidence is limited at this time, the clinical significance of this alteration remains unclear.

Fulgent Genetics
Classification: Uncertain significance for Neurofibromatosis, type 1; Neurofibromatosis, familial spinal; Café-au-lait macules with pulmonary stenosis; Neurofibromatosis-Noonan syndrome; Juvenile myelomonocytic leukemia. Last evaluated: 2022-05-18. Review status: criteria provided, single submitter. Criteria: ACMG Guidelines, 2015. Collection method: clinical testing. Allele origin: unknown.

NM_001042492.3(NF1):c.2293C>T (p.Arg765Cys)

Gene: NF1 (neurofibromin 1; plus strand). Cytogenetic location: 17q11.2.
Variant type: single nucleotide variant.
Coding change: c.2293C>T on transcript NM_001042492.3 (MANE Select); coding-DNA position 2293, C replaced by T.
Protein change: p.Arg765Cys; replaces arginine 765 with cysteine.
Molecular consequence: missense variant.
Genome position (GRCh38, 1-based): chr17:31,227,259, C>T. VCF-style: chr17-31227259-C-T. GRCh37 (hg19) VCF-style: chr17-29554277-C-T.
Other names: c.2293C>T, p.Arg765Cys (NM_000267.4); short protein forms R765C.
Identifiers: ClinVar variation 1024989 (VCV001024989.7), dbSNP rs1383770460, ClinGen allele CA398982818.